The following is an entry in ClinVar:

ClinVar aggregate classification (germline): Uncertain significance. Review status: criteria provided, multiple submitters, no conflicts (2 of 4 stars). 3 submissions from 3 submitters: Uncertain significance (3). Last evaluated 2025-04-13.

Conditions:
Hereditary cancer-predisposing syndrome. Also called: Neoplastic Syndromes, Hereditary; Tumor predisposition; Hereditary neoplastic syndrome; Hereditary Cancer Syndrome. Identifiers: Orphanet 140162, MedGen C0027672, MeSH D009386, MONDO:0015356.
Ataxia-telangiectasia syndrome (AT). Also called: Cerebello-oculocutaneous telangiectasia; Immunodeficiency with ataxia telangiectasia; Ataxia-telangiectasia; Ataxia telangiectasia (A-T); LOUIS-BAR SYNDROME; Ataxia-telangiectasia, complementation group D. Identifiers: Orphanet 100, MedGen C0004135, MONDO:0008840, OMIM 208900.

Allele frequency attached by ClinVar (database versions not stated): TOPMed below 0.00001.

Submissions (3):

Ambry Genetics
Classification: Uncertain significance for Hereditary cancer-predisposing syndrome. Last evaluated: 2025-04-13. Review status: criteria provided, single submitter. Criteria: Ambry Variant Classification Scheme 2023. Collection method: clinical testing. Allele origin: germline.
Comment: The p.I1386M variant (also known as c.4158T>G), located in coding exon 27 of the ATM gene, results from a T to G substitution at nucleotide position 4158. The isoleucine at codon 1386 is replaced by methionine, an amino acid with highly similar properties. This amino acid position is conserved. In addition, the in silico prediction for this alteration is inconclusive. Since supporting evidence is limited at this time, the clinical significance of this alteration remains unclear.

Labcorp Genetics (formerly Invitae), Labcorp
Classification: Uncertain significance for Ataxia-telangiectasia syndrome. Last evaluated: 2024-05-08. Review status: criteria provided, single submitter. Criteria: Invitae Variant Classification Sherloc (09022015). Collection method: clinical testing. Allele origin: germline.
Comment: This sequence change replaces isoleucine, which is neutral and non-polar, with methionine, which is neutral and non-polar, at codon 1386 of the ATM protein (p.Ile1386Met). This variant is not present in population databases (gnomAD no frequency). This variant has not been reported in the literature in individuals affected with ATM-related conditions. ClinVar contains an entry for this variant (Variation ID: 245971). An algorithm developed to predict the effect of missense changes on protein structure and function (PolyPhen-2) suggests that this variant is likely to be disruptive. In summary, the available evidence is currently insufficient to determine the role of this variant in disease. Therefore, it has been classified as a Variant of Uncertain Significance.

GeneDx
Classification: Uncertain significance. Last evaluated: 2015-10-06. Review status: criteria provided, single submitter. Criteria: GeneDx Variant Classification (06012015). Collection method: clinical testing. Allele origin: germline. Affected: yes.
Comment: This variant is denoted ATM c.4158T>G at the cDNA level, p.Ile1386Met (I1386M) at the protein level, and results in the change of an Isoleucine to a Methionine (ATT>ATG). This variant has not, to our knowledge, been published in the literature as being pathogenic or benign. ATM Ile1386Met was not observed in approximately 6,500 individuals of European and African American ancestry in the NHLBI Exome Sequencing Project, indicating it is not a common benign variant in these populations. Since Isoleucine and Methionine share similar properties, this is considered a conservative amino acid substitution. ATM Ile1386Met occurs at a position that is conserved across species and is not located in a known functional domain (Stracker 2013). In silico analyses predict that this variant is probably damaging to protein structure and function. Based on currently available evidence, it is unclear whether ATM Ile1386Met is pathogenic or benign.

NM_000051.4(ATM):c.4158T>G (p.Ile1386Met)

Gene: ATM (ATM serine/threonine kinase; plus strand). Cytogenetic location: 11q22.3.
Variant type: single nucleotide variant.
Coding change: c.4158T>G on transcript NM_000051.4 (MANE Select); coding-DNA position 4158, T replaced by G.
Protein change: p.Ile1386Met; replaces isoleucine 1386 with methionine.
Molecular consequence: missense variant.
Genome position (GRCh38, 1-based): chr11:108,289,025, T>G. VCF-style: chr11-108289025-T-G. GRCh37 (hg19) VCF-style: chr11-108159752-T-G.
Other names: c.4158T>G, p.Ile1386Met (NM_001351834.2); short protein forms I1386M.
Identifiers: ClinVar variation 245971 (VCV000245971.12), dbSNP rs879254026, ClinGen allele CA10584342.
Genomic context (GRCh38, chr11:108,289,025, plus strand): 5'-TAACTCTGTTAGGGATTTGGATCCTGCTCCTAATCCACCTCATTTTCCATCGCATGTGAT[T>G]AAAGCAACATTTGCCTATATCAGCAATTGTCATAAAACCAAGTTAAAAAGCATTTTAGAA-3'
Protein context (NP_000042.3, residues 1376-1396): PNPPHFPSHV[Ile1386Met]KATFAYISNC